The following is an entry in ClinVar:

NM_006384.4(CIB1):c.466-3C>T

Gene: CIB1 (calcium and integrin binding 1; minus strand). Cytogenetic location: 15q26.1.
Variant type: single nucleotide variant.
Coding change: c.466-3C>T on transcript NM_006384.4 (MANE Select); 3 bases into the intron before coding-DNA position 466, C replaced by T.
Molecular consequence: intron variant.
Genome position (GRCh38, 1-based): chr15:90,231,025, G>A on the plus strand (C>T on the coding strand, the complement: CIB1 is on the minus strand). VCF-style: chr15-90231025-G-A. GRCh37 (hg19) VCF-style: chr15-90774257-G-A.
Other names: c.586-3C>T (NM_001277764.2).
Identifiers: ClinVar variation 1981973 (VCV001981973.1), dbSNP rs745455439, ClinGen allele CA7734147.

ClinVar aggregate classification (germline): Uncertain significance (1 of 4 stars; one submission).

Allele frequency attached by ClinVar (database versions not stated): gnomAD 0.00001; ExAC 0.00002; gnomAD exomes 0.00006.

Submission:

Labcorp Genetics (formerly Invitae), Labcorp
Classification: Uncertain significance. Last evaluated: 2022-05-17. Review status: criteria provided, single submitter. Criteria: Invitae Variant Classification Sherloc (09022015). Collection method: clinical testing. Allele origin: germline.
Comment: This sequence change falls in intron 5 of the CIB1 gene. It does not directly change the encoded amino acid sequence of the CIB1 protein. It affects a nucleotide within the consensus splice site. This variant is present in population databases (rs745455439, gnomAD 0.003%). This variant has not been reported in the literature in individuals affected with CIB1-related conditions. Variants that disrupt the consensus splice site are a relatively common cause of aberrant splicing (PMID: 17576681, 9536098). Algorithms developed to predict the effect of sequence changes on RNA splicing suggest that this variant is not likely to affect RNA splicing. In summary, the available evidence is currently insufficient to determine the role of this variant in disease. Therefore, it has been classified as a Variant of Uncertain Significance.

Literature cited by the submitters: PubMed 17576681; PubMed 9536098.